The following is an entry in ClinVar:

NM_001127453.2(GSDME):c.1115C>T (p.Pro372Leu)

Gene: GSDME (gasdermin E; minus strand). Cytogenetic location: 7p15.3.
Variant type: single nucleotide variant.
Coding change: c.1115C>T on transcript NM_001127453.2 (MANE Select); coding-DNA position 1115, C replaced by T.
Protein change: p.Pro372Leu; replaces proline 372 with leucine.
Molecular consequence: missense variant.
Genome position (GRCh38, 1-based): chr7:24,706,252, G>A on the plus strand (C>T on the coding strand, the complement: GSDME is on the minus strand). VCF-style: chr7-24706252-G-A. GRCh37 (hg19) VCF-style: chr7-24745871-G-A.
Other names: c.623C>T, p.Pro208Leu (NM_001127454.2); c.1115C>T, p.Pro372Leu (NM_004403.3); c.1115C>T (NM_004403.2); short protein forms P208L, P372L.
Identifiers: ClinVar variation 2955857 (VCV002955857.4), dbSNP rs201166708, ClinGen allele CA4191404.

ClinVar aggregate classification (germline): Uncertain significance. Review status: criteria provided, multiple submitters, no conflicts (2 of 4 stars). 2 submissions from 2 submitters: Uncertain significance (2). Last evaluated 2025-01-18.

Conditions:
Inborn genetic diseases. Identifiers: MedGen C0950123, MeSH D030342.

Allele frequency attached by ClinVar (database versions not stated): gnomAD 0.00005; TOPMed 0.00005; ESP Exome Variant Server 0.00008; ExAC 0.00013.
gnomAD v4.1: 74 of 1,614,072 alleles (0.0046%); highest among the groups gnomAD compares: African/African-American, 0.0067%; no homozygotes.

Submissions (2):

Labcorp Genetics (formerly Invitae), Labcorp
Classification: Uncertain significance. Last evaluated: 2025-01-18. Review status: criteria provided, single submitter. Criteria: Invitae Variant Classification Sherloc (09022015). Collection method: clinical testing. Allele origin: germline.
Comment: This sequence change replaces proline, which is neutral and non-polar, with leucine, which is neutral and non-polar, at codon 372 of the DFNA5 protein (p.Pro372Leu). This variant is present in population databases (rs201166708, gnomAD 0.02%). This variant has not been reported in the literature in individuals affected with DFNA5-related conditions. ClinVar contains an entry for this variant (Variation ID: 2955857). An algorithm developed to predict the effect of missense changes on protein structure and function outputs the following: PolyPhen-2: "Benign". The leucine amino acid residue is found in multiple mammalian species, which suggests that this missense change does not adversely affect protein function. In summary, the available evidence is currently insufficient to determine the role of this variant in disease. Therefore, it has been classified as a Variant of Uncertain Significance.

Ambry Genetics
Classification: Uncertain significance for Inborn genetic diseases. Last evaluated: 2024-04-27. Review status: criteria provided, single submitter. Criteria: Ambry Variant Classification Scheme 2023. Collection method: clinical testing. Allele origin: germline.